The following is an entry in ClinVar:

ClinVar aggregate classification (germline): Uncertain significance. Review status: criteria provided, multiple submitters, no conflicts (2 of 4 stars). 4 submissions from 4 submitters: Uncertain significance (4). Last evaluated 2025-12-10.

Conditions:
Hereditary cancer-predisposing syndrome. Also called: Tumor predisposition; Neoplastic Syndromes, Hereditary; Hereditary neoplastic syndrome; Hereditary Cancer Syndrome. Identifiers: Orphanet 140162, MedGen C0027672, MeSH D009386, MONDO:0015356.

Allele frequency attached by ClinVar (database versions not stated): ExAC 0.00001; gnomAD 0.00001; gnomAD exomes 0.00001; TOPMed 0.00001.
gnomAD v4.1: 13 of 1,613,934 alleles (0.00081%); highest among the groups gnomAD compares: African/African-American, 0.0013%; no homozygotes.

Submissions (4):

Ambry Genetics
Classification: Uncertain significance for Hereditary cancer-predisposing syndrome. Last evaluated: 2025-12-10. Review status: criteria provided, single submitter. Criteria: Ambry Variant Classification Scheme 2023. Collection method: clinical testing. Allele origin: germline.
Comment: The p.R1112W variant (also known as c.3334A>T), located in coding exon 21 of the RAD50 gene, results from an A to T substitution at nucleotide position 3334. The arginine at codon 1112 is replaced by tryptophan, an amino acid with dissimilar properties. This amino acid position is highly conserved in available vertebrate species. In addition, this alteration is predicted to be deleterious by in silico analysis. Based on the available evidence, the clinical significance of this variant remains unclear.

Labcorp Genetics (formerly Invitae), Labcorp
Classification: Uncertain significance for Hereditary cancer-predisposing syndrome. Last evaluated: 2025-11-17. Review status: criteria provided, single submitter. Criteria: Invitae Variant Classification Sherloc (09022015). Collection method: clinical testing. Allele origin: germline.
Comment: This sequence change replaces arginine, which is basic and polar, with tryptophan, which is neutral and slightly polar, at codon 1112 of the RAD50 protein (p.Arg1112Trp). This variant is present in population databases (rs773047090, gnomAD 0.0009%). This missense change has been observed in individual(s) with breast cancer (PMID: 25452441). ClinVar contains an entry for this variant (Variation ID: 187670). Invitae Evidence Modeling of protein sequence and biophysical properties (such as structural, functional, and spatial information, amino acid conservation, physicochemical variation, residue mobility, and thermodynamic stability) indicates that this missense variant is expected to disrupt RAD50 protein function with a positive predictive value of 80%. In summary, the available evidence is currently insufficient to determine the role of this variant in disease. Therefore, it has been classified as a Variant of Uncertain Significance.

Quest Diagnostics Nichols Institute San Juan Capistrano
Classification: Uncertain significance. Last evaluated: 2025-04-07. Review status: criteria provided, single submitter. Criteria: Quest Diagnostics criteria. Collection method: clinical testing. Allele origin: unknown.
Comment: The RAD50 c.3334A>T (p.Arg1112Trp) variant has been reported in the published literature in individuals with triple negative breast cancer (PMID: 25452441 (2015)) and breast cancer (PMID: 33471991 (2021), see also LOVD). The frequency of this variant in the general population (Genome Aggregation Database) is uninformative in the assessment of its pathogenicity. Analysis of this variant using bioinformatics tools for the prediction of the effect of amino acid changes on protein structure and function yielded predictions that this variant is damaging. Based on the available information, we are unable to determine the clinical significance of this variant.

Blueprint Genetics
Classification: Uncertain significance. Last evaluated: 2024-07-01. Review status: criteria provided, single submitter. Criteria: ACMG Guidelines, 2015. Collection method: clinical testing. Allele origin: germline.

Literature cited by the submitters: PubMed 25452441 (cited by Labcorp Genetics (formerly Invitae), Labcorp and Quest Diagnostics Nichols Institute San Juan Capistrano); PubMed 33471991 (cited by Quest Diagnostics Nichols Institute San Juan Capistrano).

NM_005732.4(RAD50):c.3334A>T (p.Arg1112Trp)

Gene: RAD50 (RAD50 double strand break repair protein; plus strand). Cytogenetic location: 5q31.1.
Variant type: single nucleotide variant.
Coding change: c.3334A>T on transcript NM_005732.4 (MANE Select); coding-DNA position 3334, A replaced by T.
Protein change: p.Arg1112Trp; replaces arginine 1112 with tryptophan.
Molecular consequence: missense variant.
Genome position (GRCh38, 1-based): chr5:132,618,239, A>T. VCF-style: chr5-132618239-A-T. GRCh37 (hg19) VCF-style: chr5-131953931-A-T.
Other names: short protein forms R1112W.
Identifiers: ClinVar variation 187670 (VCV000187670.15), dbSNP rs773047090, ClinGen allele CA198254.